The following is an entry in ClinVar:

NM_001377.3(DYNC2H1):c.11022+7T>A

Gene: DYNC2H1 (dynein cytoplasmic 2 heavy chain 1; plus strand). Cytogenetic location: 11q22.3.
Variant type: single nucleotide variant.
Coding change: c.11022+7T>A on transcript NM_001377.3 (MANE Select); 7 bases into the intron after coding-DNA position 11022, T replaced by A.
Molecular consequence: intron variant.
Genome position (GRCh38, 1-based): chr11:103,286,393, T>A. VCF-style: chr11-103286393-T-A. GRCh37 (hg19) VCF-style: chr11-103157122-T-A.
Other names: c.11043+7T>A (NM_001080463.2).
Identifiers: ClinVar variation 386513 (VCV000386513.9), dbSNP rs190701725, ClinGen allele CA6255133.

ClinVar aggregate classification (germline): Likely benign. Review status: criteria provided, multiple submitters, no conflicts (2 of 4 stars). 3 submissions from 3 submitters: Likely benign (3). Last evaluated 2026-01-26.

Conditions:
Jeune thoracic dystrophy. Also called: Jeune syndrome; Infantile thoracic dystrophy; Thoracic pelvic phalangeal dystrophy; Jeune's syndrome; Chondroectodermal dysplasia-like syndrome; Short-rib thoracic dysplasia. Identifiers: Orphanet 474, MedGen C0265275, MONDO:0018770.

Allele frequency attached by ClinVar (database versions not stated): ExAC 0.00020; ESP Exome Variant Server 0.00042; gnomAD 0.00058 and 0.00062; 1000 Genomes Project 0.00060; 1000 Genomes Project 30x 0.00062; TOPMed 0.00066; gnomAD exomes 0.00005 and 0.00014.
gnomAD v4.1: 161 of 1,608,876 alleles (0.01%); highest among the groups gnomAD compares: African/African-American, 0.2%; no homozygotes.

Submissions (3):

Labcorp Genetics (formerly Invitae), Labcorp
Classification: Likely benign for Jeune thoracic dystrophy. Last evaluated: 2026-01-26. Review status: criteria provided, single submitter. Criteria: Invitae Variant Classification Sherloc (09022015). Collection method: clinical testing. Allele origin: germline.

Blueprint Genetics
Classification: Likely benign. Last evaluated: 2024-02-01. Review status: criteria provided, single submitter. Criteria: ACMG Guidelines, 2015. Collection method: clinical testing. Allele origin: germline.

GeneDx
Classification: Likely benign. Last evaluated: 2016-05-27. Review status: criteria provided, single submitter. Criteria: GeneDx Variant Classification (06012015). Collection method: clinical testing. Allele origin: germline. Affected: yes.
Comment: This variant is considered likely benign or benign based on one or more of the following criteria: it is a conservative change, it occurs at a poorly conserved position in the protein, it is predicted to be benign by multiple in silico algorithms, and/or has population frequency not consistent with disease.